The following is an entry in ClinVar:

ClinVar aggregate classification (germline): Benign/Likely benign. Review status: criteria provided, multiple submitters, no conflicts (2 of 4 stars). 9 submissions from 9 submitters: Benign (3); Likely benign (4). 2 of the submissions do not count toward it. Last evaluated 2026-07-01.

Conditions:
Inborn genetic diseases. Identifiers: MedGen C0950123, MeSH D030342.
Neuropathy, hereditary sensory, type 1F. Also called: Hereditary sensory neuropathy type IF; HSN IF. Identifiers: Orphanet 36386, MedGen C3810194, MONDO:0014286, OMIM 615632.

Allele frequency attached by ClinVar (database versions not stated): 1000 Genomes Project 30x 0.00047; 1000 Genomes Project 0.00060; TOPMed 0.00267; gnomAD exomes 0.00362 and 0.00475; ESP Exome Variant Server 0.00400; ExAC 0.00453; gnomAD 0.00825.
gnomAD v4.1: 5,879 of 1,614,170 alleles (0.36%); highest among the groups gnomAD compares: Non-Finnish European, 0.36%; 38 homozygotes.

Submissions (9):

CeGaT Center for Human Genetics Tuebingen
Classification: Likely benign. Last evaluated: 2026-07-01. Review status: criteria provided, single submitter. Criteria: CeGaT Center For Human Genetics Tuebingen Variant Classification Criteria Version 2. Collection method: clinical testing. Allele origin: germline. Affected: yes. Observed: 28 variant alleles.
Comment: ATL3: BP4, BP7, BS2

Labcorp Genetics (formerly Invitae), Labcorp
Classification: Benign for Neuropathy, hereditary sensory, type 1F. Last evaluated: 2026-02-01. Review status: criteria provided, single submitter. Criteria: Invitae Variant Classification Sherloc (09022015). Collection method: clinical testing. Allele origin: germline.

Mayo Clinic Laboratories, Mayo Clinic
Classification: Benign. Last evaluated: 2023-03-06. Review status: criteria provided, single submitter. Criteria: ACMG Guidelines, 2015. Collection method: clinical testing. Allele origin: germline. Observed: 8 variant alleles.
Comment: BS1, BS2, BP4, BP7

Genome-Nilou Lab
Classification: Benign for Neuropathy, hereditary sensory, type 1F. Last evaluated: 2021-12-05. Review status: criteria provided, single submitter. Criteria: ACMG Guidelines, 2015. Collection method: clinical testing. Allele origin: germline. Affected: no.

GeneDx
Classification: Likely benign. Last evaluated: 2021-04-11. Review status: criteria provided, single submitter. Criteria: GeneDx Variant Classification Process June 2021. Collection method: clinical testing. Allele origin: germline. Affected: yes.

Ambry Genetics
Classification: Likely benign for Inborn genetic diseases. Last evaluated: 2019-07-11. Review status: criteria provided, single submitter. Criteria: Ambry Variant Classification Scheme 2023. Collection method: clinical testing. Allele origin: germline.

Breakthrough Genomics
Classification: Likely benign. Review status: criteria provided, single submitter. Criteria: ACMG Guidelines, 2015. Collection method: not provided. Allele origin: germline. Inheritance: Autosomal dominant inheritance. Affected: yes.

Clinical Genetics, Academic Medical Center
Classification: Benign. Review status: no assertion criteria provided. Collection method: clinical testing. Allele origin: germline. Affected: yes. Study: VKGL Data-share Consensus. Not counted in ClinVar's aggregate classification.

Genome Diagnostics Laboratory, University Medical Center Utrecht
Classification: Benign. Review status: no assertion criteria provided. Collection method: clinical testing. Allele origin: germline. Affected: yes. Study: VKGL Data-share Consensus. Not counted in ClinVar's aggregate classification.

NM_015459.5(ATL3):c.1434A>G (p.Gly478=)

Genes: ATL3 (atlastin GTPase 3; minus strand), LNCROPM (lncRNA regulator of PLAAT3 mediated phospholipid metabolism; plus strand). Cytogenetic location: 11q13.1.
Variant type: single nucleotide variant.
Coding change: c.1434A>G on transcript NM_015459.5 (MANE Select); coding-DNA position 1434, A replaced by G.
Protein change: p.Gly478=; no amino-acid change (glycine 478 retained).
Molecular consequence: synonymous variant.
Genome position (GRCh38, 1-based): chr11:63,631,145, T>C on the plus strand (A>G on the coding strand, the complement: ATL3 is on the minus strand). VCF-style: chr11-63631145-T-C. GRCh37 (hg19) VCF-style: chr11-63398617-T-C.
Other names: p.Gly478=; c.1380A>G, p.Gly460= (NM_001290048.2); c.1434A>G (NM_015459.3).
Identifiers: ClinVar variation 474834 (VCV000474834.43), dbSNP rs189119869, ClinGen allele CA6063518.
Genomic context (GRCh38, chr11:63,631,145, plus strand): 5'-CTCACGATATTGACCAGAATACCTGATGTAGCCCCAGGTGAGGAGTGCTATTAACAGTAG[T>C]CCAACCATACAGTTGAACAACTGGGCTACAACCTCAAGACCTATGAAGCCAGTGAGGCCT-3'
Protein context (NP_056274.3, residues 468-488): VVAQLFNCMV[Gly478=]LLLIALLTWG